The following is an entry in ClinVar:

NM_018051.5(DYNC2I1):c.389G>A (p.Arg130Gln)

Gene: DYNC2I1 (dynein 2 intermediate chain 1; plus strand). Cytogenetic location: 7q36.3.
Variant type: single nucleotide variant.
Coding change: c.389G>A on transcript NM_018051.5 (MANE Select); coding-DNA position 389, G replaced by A.
Protein change: p.Arg130Gln; replaces arginine 130 with glutamine.
Molecular consequence: missense variant. On other transcripts: 5 prime UTR variant (4).
Genome position (GRCh38, 1-based): chr7:158,871,461, G>A. VCF-style: chr7-158871461-G-A. GRCh37 (hg19) VCF-style: chr7-158664152-G-A.
Other names: c.251G>A, p.Arg84Gln (NM_001350914.2); c.-129G>A (NM_001350915.2); c.-970G>A (NM_001350916.2); c.-978G>A (NM_001350917.2); c.-1097G>A (NM_001350918.2); c.389G>A (NM_018051.4); short protein forms R130Q, R84Q.
Identifiers: ClinVar variation 1039216 (VCV001039216.6), dbSNP rs374765133, ClinGen allele CA4594287.

ClinVar aggregate classification (germline): Conflicting classifications of pathogenicity. Review status: criteria provided, conflicting classifications (1 of 4 stars). 2 submissions from 2 submitters: Uncertain significance (1); Likely benign (1). Last evaluated 2024-12-09.

Conditions:
Short-rib thoracic dysplasia 8 with or without polydactyly (SRTD8). Also called: SHORT-RIB THORACIC DYSPLASIA 8 WITH POLYDACTYLY. Identifiers: Orphanet 93271, MedGen C3809691, MONDO:0014214, OMIM 615503.
Inborn genetic diseases. Identifiers: MedGen C0950123, MeSH D030342.

Allele frequency attached by ClinVar (database versions not stated): ExAC 0.00006; ESP Exome Variant Server 0.00011; gnomAD 0.00011; TOPMed 0.00011; gnomAD exomes 0.00013 and 0.00021; 1000 Genomes Project 0.00020; 1000 Genomes Project 30x 0.00031.
gnomAD v4.1: 312 of 1,549,886 alleles (0.02%); highest among the groups gnomAD compares: Admixed American, 0.031%; 1 homozygote.

Submissions (2):

Labcorp Genetics (formerly Invitae), Labcorp
Classification: Uncertain significance for Short-rib thoracic dysplasia 8 with or without polydactyly. Last evaluated: 2024-12-09. Review status: criteria provided, single submitter. Criteria: Invitae Variant Classification Sherloc (09022015). Collection method: clinical testing. Allele origin: germline.
Comment: This sequence change replaces arginine, which is basic and polar, with glutamine, which is neutral and polar, at codon 130 of the WDR60 protein (p.Arg130Gln). This variant is present in population databases (rs374765133, gnomAD 0.04%), including at least one homozygous and/or hemizygous individual. This variant has not been reported in the literature in individuals affected with WDR60-related conditions. ClinVar contains an entry for this variant (Variation ID: 1039216). An algorithm developed to predict the effect of missense changes on protein structure and function outputs the following: PolyPhen-2: "Benign". The glutamine amino acid residue is found in multiple mammalian species, which suggests that this missense change does not adversely affect protein function. In summary, the available evidence is currently insufficient to determine the role of this variant in disease. Therefore, it has been classified as a Variant of Uncertain Significance.

Ambry Genetics
Classification: Likely benign for Inborn genetic diseases. Last evaluated: 2024-04-20. Review status: criteria provided, single submitter. Criteria: Ambry Variant Classification Scheme 2023. Collection method: clinical testing. Allele origin: germline.